The following is an entry in ClinVar:

ClinVar aggregate classification (germline): Uncertain significance (1 of 4 stars; one submission).

Submission:

Mayo Clinic Laboratories, Mayo Clinic
Classification: Uncertain significance. Last evaluated: 2024-02-12. Review status: criteria provided, single submitter. Criteria: ACMG Guidelines, 2015. Collection method: clinical testing. Allele origin: germline. Observed: 1 variant allele.
Comment: PM2

NM_001267550.2(TTN):c.32195A>G (p.Glu10732Gly)

Gene: TTN (titin; minus strand). Cytogenetic location: 2q31.2.
Variant type: single nucleotide variant.
Coding change: c.32195A>G on transcript NM_001267550.2 (MANE Select); coding-DNA position 32195, A replaced by G.
Protein change: p.Glu10732Gly; replaces glutamic acid 10732 with glycine.
Molecular consequence: missense variant. On other transcripts: intron variant (3).
Genome position (GRCh38, 1-based): chr2:178,688,679, T>C on the plus strand (A>G on the coding strand, the complement: TTN is on the minus strand). VCF-style: chr2-178688679-T-C. GRCh37 (hg19) VCF-style: chr2-179553406-T-C.
Other names: p.Glu9488Gly; c.13859-46362A>G (NM_133437.4); c.13658-46362A>G (NM_133432.3); c.31244A>G, p.Glu10415Gly (NM_001256850.1); c.28463A>G, p.Glu9488Gly (NM_133378.4); c.13283-46362A>G (NM_003319.4); short protein forms E10415G, E10732G, E9488G.
Identifiers: ClinVar variation 3380891 (VCV003380891.1).
Genomic context (GRCh38, chr2:178,688,679, plus strand): 5'-AAGAGACTTTGAGGAAACACACACAAACTCATTTATCCCCTGACTTCCGATTATATACCT[T>C]CGTGCCGCGTGACTTCCACTCTTTGAGGAACTGCGAAGGATAGTTTTTCTTCAGCAACAA-3'
Protein context (NP_001254479.2, residues 10722-10742): VPQRVEVTRH[Glu10732Gly]VSAEEEWSYS